The following is an entry in ClinVar:

ClinVar aggregate classification (germline): Uncertain significance (1 of 4 stars; one submission).

Submission:

GeneDx
Classification: Uncertain significance. Last evaluated: 2022-05-26. Review status: criteria provided, single submitter. Criteria: GeneDx Variant Classification Process June 2021. Collection method: clinical testing. Allele origin: germline. Affected: yes.
Comment: Not observed at significant frequency in large population cohorts (gnomAD); In silico analysis supports that this missense variant has a deleterious effect on protein structure/function; Has not been previously published as pathogenic or benign to our knowledge

NM_001791.4(CDC42):c.184G>C (p.Glu62Gln)

Gene: CDC42 (cell division cycle 42; plus strand). Cytogenetic location: 1p36.12.
Variant type: single nucleotide variant.
Coding change: c.184G>C on transcript NM_001791.4 (MANE Select); coding-DNA position 184, G replaced by C.
Protein change: p.Glu62Gln; replaces glutamic acid 62 with glutamine.
Molecular consequence: missense variant.
Genome position (GRCh38, 1-based): chr1:22,086,444, G>C. VCF-style: chr1-22086444-G-C. GRCh37 (hg19) VCF-style: chr1-22412937-G-C.
Other names: c.184G>C, p.Glu62Gln (NM_001039802.2, NM_044472.3); short protein forms E62Q.
Identifiers: ClinVar variation 1801158 (VCV001801158.1), dbSNP rs2522220905, ClinGen allele CA338906488.